The following is an entry in ClinVar:

NM_001267550.2(TTN):c.80944T>C (p.Phe26982Leu)

Genes: TTN (titin; minus strand), TTN-AS1 (TTN antisense RNA 1; plus strand). Cytogenetic location: 2q31.2.
Variant type: single nucleotide variant.
Coding change: c.80944T>C on transcript NM_001267550.2 (MANE Select); coding-DNA position 80944, T replaced by C.
Protein change: p.Phe26982Leu; replaces phenylalanine 26982 with leucine.
Molecular consequence: missense variant.
Genome position (GRCh38, 1-based): chr2:178,565,188, A>G on the plus strand (T>C on the coding strand, the complement: TTN is on the minus strand). VCF-style: chr2-178565188-A-G. GRCh37 (hg19) VCF-style: chr2-179429915-A-G.
Other names: p.F25341L:TTT>CTT; c.76021T>C, p.Phe25341Leu (NM_001256850.1); c.73240T>C, p.Phe24414Leu (NM_133378.4); c.53749T>C, p.Phe17917Leu (NM_003319.4); c.54124T>C, p.Phe18042Leu (NM_133432.3); c.54325T>C, p.Phe18109Leu (NM_133437.4); short protein forms F24414L, F26982L, F25341L, F18109L, F17917L, F18042L.
Identifiers: ClinVar variation 180094 (VCV000180094.39), dbSNP rs200406978, ClinGen allele CA185794.

ClinVar aggregate classification (germline): Conflicting classifications of pathogenicity. Review status: criteria provided, conflicting classifications (1 of 4 stars). 15 submissions from 11 submitters: Uncertain significance (4); Benign (5); Likely benign (5). 1 of the submissions does not count toward it. Last evaluated 2026-01-19.

Conditions:
TTN-related disorder. Also called: TTN-related condition; TTN-related disease; TTN-related disorders.
Cardiovascular phenotype. Identifiers: MedGen CN230736.
Dilated cardiomyopathy 1G (CMD1G). Identifiers: Orphanet 154, MedGen C1858763, MONDO:0011400, OMIM 604145.
Autosomal recessive limb-girdle muscular dystrophy type 2J (LGMDR10). Also called: Limb-girdle muscular dystrophy, type 2J; MUSCULAR DYSTROPHY, LIMB-GIRDLE, AUTOSOMAL RECESSIVE 10. Identifiers: Orphanet 140922, MedGen C1837342, MONDO:0012127, OMIM 608807.
Cardiomyopathy (CMYO). Also called: Cardiomyopathies. Identifiers: Orphanet 167848, MedGen C0878544, MONDO:0004994, HP:0001638. Inheritance: Various modes of inheritance.
Myopathy, myofibrillar, 9, with early respiratory failure (MFM9). Also called: EDSTROM MYOPATHY; MYOPATHY, PROXIMAL, WITH EARLY RESPIRATORY MUSCLE INVOLVEMENT; Hereditary myopathy with early respiratory failure; Myopathy, distal, with early respiratory failure, autosomal dominant. Identifiers: Orphanet 178464, Orphanet 34521, MedGen C1863599, MONDO:0011362, OMIM 603689.
Tibial muscular dystrophy (TMD). Also called: Udd Distal Myopathy – Tibial Muscular Dystrophy; Tibial muscular dystrophy, tardive; UDD MYOPATHY. Identifiers: Orphanet 609, MedGen C1838244, MONDO:0010870, OMIM 600334.
Early-onset myopathy with fatal cardiomyopathy (CMYO5). Also called: CONGENITAL MYOPATHY 5 WITH CARDIOMYOPATHY; Salih Myopathy. Identifiers: Orphanet 289377, MedGen C2673677, MONDO:0012714, OMIM 611705. Disease mechanism: loss of function.

Allele frequency attached by ClinVar (database versions not stated): gnomAD 0.00006; TOPMed 0.00009; gnomAD exomes 0.00060; ExAC 0.00069; 1000 Genomes Project 30x 0.00094; 1000 Genomes Project 0.00120.
gnomAD v4.1: 492 of 1,613,460 alleles (0.03%); highest among the groups gnomAD compares: South Asian, 0.45%; 6 homozygotes.

Submissions (15):

Labcorp Genetics (formerly Invitae), Labcorp
Classification: Benign for Dilated cardiomyopathy 1G; Autosomal recessive limb-girdle muscular dystrophy type 2J. Last evaluated: 2026-01-19. Review status: criteria provided, single submitter. Criteria: Invitae Variant Classification Sherloc (09022015). Collection method: clinical testing. Allele origin: germline.

CeGaT Center for Human Genetics Tuebingen
Classification: Likely benign. Last evaluated: 2025-09-01. Review status: criteria provided, single submitter. Criteria: CeGaT Center For Human Genetics Tuebingen Variant Classification Criteria Version 2. Collection method: clinical testing. Allele origin: germline. Affected: yes. Observed: 1 variant allele.
Comment: TTN: BP4

Blueprint Genetics
Classification: Likely benign. Last evaluated: 2024-09-18. Review status: criteria provided, single submitter. Criteria: ACMG Guidelines, 2015. Collection method: clinical testing. Allele origin: germline.

CHEO Genetics Diagnostic Laboratory, Children's Hospital of Eastern Ontario
Classification: Benign for Cardiomyopathy. Last evaluated: 2023-06-23. Review status: criteria provided, single submitter. Criteria: ACMG Guidelines, 2015. Collection method: clinical testing. Allele origin: germline. Study: Canadian Open Genetics Repository.

Ambry Genetics
Classification: Benign for Cardiovascular phenotype. Last evaluated: 2020-09-03. Review status: criteria provided, single submitter. Criteria: Ambry Variant Classification Scheme 2023. Collection method: clinical testing. Allele origin: germline.

GeneDx
Classification: Likely benign. Last evaluated: 2020-06-10. Review status: criteria provided, single submitter. Criteria: GeneDx Variant Classification Process June 2021. Collection method: clinical testing. Allele origin: germline. Affected: yes.
Comment: This variant is associated with the following publications: (PMID: 23861362)

Illumina Laboratory Services, Illumina
Classification: Benign for Myopathy, myofibrillar, 9, with early respiratory failure. Last evaluated: 2018-01-12. Review status: criteria provided, single submitter. Criteria: ICSL Variant Classification Criteria 13 December 2019. Collection method: clinical testing. Allele origin: germline.
Comment: This variant was observed in the ICSL laboratory as part of a predisposition screen in an ostensibly healthy population. It had not been previously curated by ICSL or reported in the Human Gene Mutation Database (HGMD: prior to June 1st, 2018), and was therefore a candidate for classification through an automated scoring system. Utilizing variant allele frequency, disease prevalence and penetrance estimates, and inheritance mode, an automated score was calculated to assess if this variant is too frequent to cause the disease. Based on the score and internal cut-off values, a variant classified as benign is not then subjected to further curation. The score for this variant resulted in a classification of benign for this disease.

Illumina Laboratory Services, Illumina
Classification: Uncertain significance for Early-onset myopathy with fatal cardiomyopathy. Last evaluated: 2018-01-12. Review status: criteria provided, single submitter. Criteria: ICSL Variant Classification Criteria 13 December 2019. Collection method: clinical testing. Allele origin: germline.

Illumina Laboratory Services, Illumina
Classification: Uncertain significance for Autosomal recessive limb-girdle muscular dystrophy type 2J. Last evaluated: 2018-01-12. Review status: criteria provided, single submitter. Criteria: ICSL Variant Classification Criteria 13 December 2019. Collection method: clinical testing. Allele origin: germline.

Illumina Laboratory Services, Illumina
Classification: Uncertain significance for Dilated cardiomyopathy 1G. Last evaluated: 2018-01-12. Review status: criteria provided, single submitter. Criteria: ICSL Variant Classification Criteria 13 December 2019. Collection method: clinical testing. Allele origin: germline.

Illumina Laboratory Services, Illumina
Classification: Benign for Tibial muscular dystrophy. Last evaluated: 2018-01-12. Review status: criteria provided, single submitter. Criteria: ICSL Variant Classification Criteria 13 December 2019. Collection method: clinical testing. Allele origin: germline.
Comment: the same text as in the submission from Illumina Laboratory Services, Illumina above.

Eurofins Ntd Llc (ga)
Classification: Likely benign. Last evaluated: 2015-09-23. Review status: criteria provided, single submitter. Criteria: EGL Classification Definitions 2015. Collection method: clinical testing. Allele origin: germline. Observed: 1 variant allele, 1 heterozygote.

Laboratory for Molecular Medicine, Mass General Brigham Personalized Medicine
Classification: Likely benign. Last evaluated: 2014-11-20. Review status: criteria provided, single submitter. Criteria: LMM Criteria. Collection method: clinical testing. Allele origin: germline. Observed: 1 variant allele.
Comment: p.Phe24414Leu in exon 275 of TTN: This variant is not expected to have clinical significance because it has been identified in 0.5% (81/16596) of South Asian ch romosomes by the Exome Aggregation Consortium (ExAC. org; dbSNP rs200406978). In addition, 1 mammal (panda) carries a leucine (Leu) a t this position despite high nearby amino acid conservation, further supporting that this change is tolerated.

Biesecker Lab/Clinical Genomics Section, National Institutes of Health
Classification: Uncertain significance. Last evaluated: 2013-06-24. Review status: criteria provided, single submitter. Criteria: Ng et al. (Circ Cardiovasc Genet. 2013). Collection method: research. Allele origin: unknown. Observed: 1 variant allele. Study: ClinSeq.
Comment: The study set was not selected for affection status in relation to any cancer. Pathogenicity categories were based on literature curation. See Pubmed ID:23861362 for details.

Medical sequencing

PreventionGenetics, part of Exact Sciences
Classification: Likely benign for TTN-related condition. Last evaluated: 2019-11-05. Review status: no assertion criteria provided. Collection method: clinical testing. Allele origin: germline. Not counted in ClinVar's aggregate classification.
Comment: This variant is classified as likely benign based on ACMG/AMP sequence variant interpretation guidelines (Richards et al. 2015 PMID: 25741868, with internal and published modifications).